The following is an entry in ClinVar:

NM_001199799.2(ILDR1):c.1291_1305delinsGTGAGG (p.Arg431_Ser435delinsValArg)

Gene: ILDR1 (immunoglobulin like domain containing receptor 1; minus strand). Cytogenetic location: 3q13.33.
Variant type: Indel.
Coding change: c.1291_1305delinsGTGAGG on transcript NM_001199799.2 (MANE Select); coding-DNA positions 1291 to 1305, CGCTGGCGGCCGAGC replaced by GTGAGG.
Protein change: p.Arg431_Ser435delinsValArg.
Molecular consequence: inframe indel.
Genome position (GRCh38, 1-based): chr3:121,993,444-121,993,458, GCTCGGCCGCCAGCG replaced by CCTCAC on the plus strand (CGCTGGCGGCCGAGC replaced by GTGAGG on the coding strand, the reverse complement: ILDR1 is on the minus strand). VCF-style: chr3-121993444-GCTCGGCCGCCAGCG-CCTCAC. GRCh37 (hg19) VCF-style: chr3-121712291-GCTCGGCCGCCAGCG-CCTCAC.
Other names: c.1024_1038delinsGTGAGG, p.Arg342_Ser346delinsValArg (NM_001199800.2); c.1159_1173delinsGTGAGG, p.Arg387_Ser391delinsValArg (NM_175924.4).
Identifiers: ClinVar variation 3254654 (VCV003254654.2), dbSNP rs2472801065.

ClinVar aggregate classification (germline): Uncertain significance. Review status: criteria provided, multiple submitters, no conflicts (2 of 4 stars). 2 submissions from 2 submitters: Uncertain significance (2). Last evaluated 2026-03-03.

Conditions:
Autosomal recessive nonsyndromic hearing loss 42. Identifiers: Orphanet 90636, MedGen C1864818, MONDO:0012326, OMIM 609646.

Submissions (2):

GeneDx
Classification: Uncertain significance. Last evaluated: 2026-03-03. Review status: criteria provided, single submitter. Criteria: GeneDx Variant Classification Process June 2021. Collection method: clinical testing. Allele origin: germline.
Comment: Not observed at significant frequency in large population cohorts (gnomAD); In-frame deletion of 5 amino acid(s) and insertion of 2 different amino acid(s) in a non-repeat region; In silico analysis supports a deleterious effect on protein structure/function; Has not been previously published as pathogenic or benign to our knowledge

Victorian Clinical Genetics Services, Murdoch Childrens Research Institute
Classification: Uncertain significance for Autosomal recessive nonsyndromic hearing loss 42. Last evaluated: 2022-02-02. Review status: criteria provided, single submitter. Criteria: ACMG Guidelines, 2015. Collection method: clinical testing. Allele origin: germline. Inheritance: Autosomal recessive inheritance.
Comment: Based on the classification scheme VCGS_Germline_v1.3.4, this variant is classified as VUS-3B. Following criteria are met: 0102 - Loss of function is a known mechanism of disease in this gene and is associated with autosomal recessive deafness 42 (MIM#609646). (I) 0106 - This gene is associated with autosomal recessive disease. (I) 0216 - In-frame insertion/deletion in a non-repetitive region that has low conservation. (SP) 0251 - This variant is heterozygous. (I) 0301 - Variant is absent from gnomAD (both v2 and v3). (SP) 0604 - Variant is not located in an established domain, motif, hotspot or informative constraint region. (I) 0705 - No comparable In-frame insertion/deletion has previous evidence for pathogenicity. (I) 0807 - This variant has no previous evidence of pathogenicity. (I) 0905 - No published segregation evidence has been identified for this variant. (I) 1007 - No published functional evidence has been identified for this variant. (I) 1208 - Inheritance information for this variant is not currently available in this individual. (I) Legend: (SP) - Supporting pathogenic, (I) - Information, (SB) - Supporting benign